The following is an entry in ClinVar:

NM_012295.4(CABIN1):c.3939-10G>A

Gene: CABIN1 (calcineurin binding protein 1; plus strand). Cytogenetic location: 22q11.23.
Variant type: single nucleotide variant.
Coding change: c.3939-10G>A on transcript NM_012295.4 (MANE Select); 10 bases into the intron before coding-DNA position 3939, G replaced by A.
Molecular consequence: intron variant.
Genome position (GRCh38, 1-based): chr22:24,098,004, G>A. VCF-style: chr22-24098004-G-A. GRCh37 (hg19) VCF-style: chr22-24493967-G-A.
Other names: c.3789-10G>A (NM_001201429.2); c.3939-10G>A (NM_001199281.1).
Identifiers: ClinVar variation 3043632 (VCV003043632.2), dbSNP rs765691677, ClinGen allele CA10149322.

ClinVar aggregate classification (germline): Likely benign (0 of 4 stars; one submission).

Conditions:
CABIN1-related disorder. Also called: CABIN1-related condition.

Allele frequency attached by ClinVar (database versions not stated): gnomAD 0.00001; gnomAD exomes 0.00001; ExAC 0.00003; TOPMed 0.00003.

Submission:

PreventionGenetics, part of Exact Sciences
Classification: Likely benign for CABIN1-related condition. Last evaluated: 2023-05-22. Review status: no assertion criteria provided. Collection method: clinical testing. Allele origin: germline.
Comment: This variant is classified as likely benign based on ACMG/AMP sequence variant interpretation guidelines (Richards et al. 2015 PMID: 25741868, with internal and published modifications).